The following is an entry in ClinVar:

NM_015378.4(VPS13D):c.11998T>A (p.Phe4000Ile)

Gene: VPS13D (vacuolar protein sorting 13 homolog D; plus strand). Cytogenetic location: 1p36.22.
Variant type: single nucleotide variant.
Coding change: c.11998T>A on transcript NM_015378.4 (MANE Select); coding-DNA position 11998, T replaced by A.
Protein change: p.Phe4000Ile; replaces phenylalanine 4000 with isoleucine.
Molecular consequence: missense variant.
Genome position (GRCh38, 1-based): chr1:12,403,941, T>A. VCF-style: chr1-12403941-T-A. GRCh37 (hg19) VCF-style: chr1-12463994-T-A.
Other names: c.11923T>A, p.Phe3975Ile (NM_018156.4); c.11998T>A (NM_015378.2); short protein forms F4000I, F3975I.
Identifiers: ClinVar variation 1503486 (VCV001503486.4), dbSNP rs1045722274, ClinGen allele CA18061408.

ClinVar aggregate classification (germline): Uncertain significance. Review status: criteria provided, multiple submitters, no conflicts (2 of 4 stars). 2 submissions from 2 submitters: Uncertain significance (2). Last evaluated 2024-08-11.

Conditions:
Inborn genetic diseases. Identifiers: MedGen C0950123, MeSH D030342.

Allele frequency attached by ClinVar (database versions not stated): gnomAD exomes below 0.00001 and 0.00001; gnomAD 0.00002; TOPMed 0.00011.
gnomAD v4.1: 8 of 1,608,630 alleles (0.0005%); highest among the groups gnomAD compares: Admixed American, 0.012%; no homozygotes.

Submissions (2):

Ambry Genetics
Classification: Uncertain significance for Inborn genetic diseases. Last evaluated: 2024-08-11. Review status: criteria provided, single submitter. Criteria: Ambry Variant Classification Scheme 2023. Collection method: clinical testing. Allele origin: germline.

Labcorp Genetics (formerly Invitae), Labcorp
Classification: Uncertain significance. Last evaluated: 2021-08-28. Review status: criteria provided, single submitter. Criteria: Invitae Variant Classification Sherloc (09022015). Collection method: clinical testing. Allele origin: germline.
Comment: This sequence change replaces phenylalanine with isoleucine at codon 4000 of the VPS13D protein (p.Phe4000Ile). The phenylalanine residue is highly conserved and there is a small physicochemical difference between phenylalanine and isoleucine. This variant is not present in population databases (ExAC no frequency). This variant has not been reported in the literature in individuals affected with VPS13D-related conditions. Algorithms developed to predict the effect of missense changes on protein structure and function are either unavailable or do not agree on the potential impact of this missense change (SIFT: "Tolerated"; PolyPhen-2: "Probably Damaging"; Align-GVGD: "Class C0"). In summary, the available evidence is currently insufficient to determine the role of this variant in disease. Therefore, it has been classified as a Variant of Uncertain Significance.